The following is an entry in ClinVar:

NM_000059.4(BRCA2):c.6845A>T (p.Glu2282Val)

Gene: BRCA2 (BRCA2 DNA repair associated; plus strand). Cytogenetic location: 13q13.1.
Variant type: single nucleotide variant.
Coding change: c.6845A>T on transcript NM_000059.4 (MANE Select); coding-DNA position 6845, A replaced by T.
Protein change: p.Glu2282Val; replaces glutamic acid 2282 with valine.
Molecular consequence: missense variant.
Genome position (GRCh38, 1-based): chr13:32,344,561, A>T. VCF-style: chr13-32344561-A-T. GRCh37 (hg19) VCF-style: chr13-32918698-A-T.
Other names: short protein forms E2282V.
Identifiers: ClinVar variation 409579 (VCV000409579.17), dbSNP rs1060502479, ClinGen allele CA16614342.

ClinVar aggregate classification (germline): Uncertain significance. Review status: criteria provided, multiple submitters, no conflicts (2 of 4 stars). 3 submissions from 3 submitters: Uncertain significance (3). Last evaluated 2025-04-15.

Conditions:
Hereditary cancer-predisposing syndrome. Also called: Tumor predisposition; Hereditary Cancer Syndrome; Hereditary neoplastic syndrome; Neoplastic Syndromes, Hereditary. Identifiers: Orphanet 140162, MedGen C0027672, MeSH D009386, MONDO:0015356.
Hereditary breast ovarian cancer syndrome. Also called: Hereditary breast and ovarian cancer; Hereditary breast and/or ovarian cancer syndrome; BRCA1- and BRCA2-Associated Hereditary Breast and Ovarian Cancer; Hereditary breast and ovarian cancer syndrome; Hereditary breast and ovarian cancer syndrome (HBOC); Breast and ovarian cancer. Identifiers: Orphanet 145, MedGen C0677776, MeSH D061325, MONDO:0003582. Disease mechanism: loss of function.

Submissions (3):

GeneDx
Classification: Uncertain significance. Last evaluated: 2025-04-15. Review status: criteria provided, single submitter. Criteria: GeneDx Variant Classification Process June 2021. Collection method: clinical testing. Allele origin: germline. Affected: yes.
Comment: Not observed at significant frequency in large population cohorts (gnomAD); In silico analysis indicates that this missense variant does not alter protein structure/function; Has not been previously published as pathogenic or benign to our knowledge; Also known as 7073A>T

Ambry Genetics
Classification: Uncertain significance for Hereditary cancer-predisposing syndrome. Last evaluated: 2024-11-03. Review status: criteria provided, single submitter. Criteria: Ambry Variant Classification Scheme 2023. Collection method: clinical testing. Allele origin: germline.
Comment: The p.E2282V variant (also known as c.6845A>T), located in coding exon 11 of the BRCA2 gene, results from an A to T substitution at nucleotide position 6845. The glutamic acid at codon 2282 is replaced by valine, an amino acid with dissimilar properties. This amino acid position is well conserved in available vertebrate species. In addition, the in silico prediction for this alteration is inconclusive. Since supporting evidence is limited at this time, the clinical significance of this alteration remains unclear.

Labcorp Genetics (formerly Invitae), Labcorp
Classification: Uncertain significance for Hereditary breast ovarian cancer syndrome. Last evaluated: 2016-08-15. Review status: criteria provided, single submitter. Criteria: Invitae Variant Classification Sherloc (09022015). Collection method: clinical testing. Allele origin: germline.
Comment: Algorithms developed to predict the effect of missense changes on protein structure and function (SIFT, PolyPhen-2, Align-GVGD) all suggest that this variant is likely to be disruptive, but these predictions have not been confirmed by published functional studies. This variant is not present in population databases (ExAC no frequency) and has not been reported in the literature in individuals with a BRCA2-related disease. In summary, this variant is a novel missense change with uncertain impact on protein function. It has been classified as a Variant of Uncertain Significance. This sequence change replaces glutamic acid with valine at codon 2282 of the BRCA2 protein (p.Glu2282Val). The glutamic acid residue is moderately conserved and there is a moderate physicochemical difference between glutamic acid and valine.